The following is an entry in ClinVar:

NM_007186.6(CEP250):c.6967C>G (p.Leu2323Val)

Gene: CEP250 (centrosomal protein 250; plus strand). Cytogenetic location: 20q11.22.
Variant type: single nucleotide variant.
Coding change: c.6967C>G on transcript NM_007186.6 (MANE Select); coding-DNA position 6967, C replaced by G.
Protein change: p.Leu2323Val; replaces leucine 2323 with valine.
Molecular consequence: missense variant.
Genome position (GRCh38, 1-based): chr20:35,509,003, C>G. VCF-style: chr20-35509003-C-G. GRCh37 (hg19) VCF-style: chr20-34096832-C-G.
Other names: c.5071C>G, p.Leu1691Val (NM_001318219.1); short protein forms L2323V, L1691V.
Identifiers: ClinVar variation 1519162 (VCV001519162.7), dbSNP rs114152601, ClinGen allele CA9834202.

ClinVar aggregate classification (germline): Uncertain significance. Review status: criteria provided, multiple submitters, no conflicts (2 of 4 stars). 2 submissions from 2 submitters: Uncertain significance (2). Last evaluated 2025-03-31.

Allele frequency attached by ClinVar (database versions not stated): gnomAD exomes 0.00001 and 0.00002; TOPMed 0.00001; gnomAD 0.00003; ExAC 0.00009; 1000 Genomes Project 30x 0.00094; 1000 Genomes Project 0.00120.
gnomAD v4.1: 15 of 1,559,190 alleles (0.00096%); highest among the groups gnomAD compares: African/African-American, 0.018%; no homozygotes.

Submissions (2):

Labcorp Genetics (formerly Invitae), Labcorp
Classification: Uncertain significance. Last evaluated: 2025-03-31. Review status: criteria provided, single submitter. Criteria: Invitae Variant Classification Sherloc (09022015). Collection method: clinical testing. Allele origin: germline.
Comment: This sequence change replaces leucine, which is neutral and non-polar, with valine, which is neutral and non-polar, at codon 2323 of the CEP250 protein (p.Leu2323Val). This variant is present in population databases (rs114152601, gnomAD 0.03%). This variant has not been reported in the literature in individuals affected with CEP250-related conditions. ClinVar contains an entry for this variant (Variation ID: 1519162). An algorithm developed to predict the effect of missense changes on protein structure and function (PolyPhen-2) suggests that this variant is likely to be disruptive. In summary, the available evidence is currently insufficient to determine the role of this variant in disease. Therefore, it has been classified as a Variant of Uncertain Significance.

Blueprint Genetics
Classification: Uncertain significance. Last evaluated: 2024-02-02. Review status: criteria provided, single submitter. Criteria: ACMG Guidelines, 2015. Collection method: clinical testing. Allele origin: germline.